The following is an entry in ClinVar:

NM_000399.5(EGR2):c.163G>T (p.Ala55Ser)

Gene: EGR2 (early growth response 2; minus strand). Cytogenetic location: 10q21.3.
Variant type: single nucleotide variant.
Coding change: c.163G>T on transcript NM_000399.5 (MANE Select); coding-DNA position 163, G replaced by T.
Protein change: p.Ala55Ser; replaces alanine 55 with serine.
Molecular consequence: missense variant.
Genome position (GRCh38, 1-based): chr10:62,815,867, C>A on the plus strand (G>T on the coding strand, the complement: EGR2 is on the minus strand). VCF-style: chr10-62815867-C-A. GRCh37 (hg19) VCF-style: chr10-64575627-C-A.
Other names: c.163G>T, p.Ala55Ser (NM_001136177.3, NM_001136178.2); c.13G>T, p.Ala5Ser (NM_001136179.3, NM_001321037.2); short protein forms A5S, A55S.
Identifiers: ClinVar variation 661006 (VCV000661006.8), dbSNP rs1411975971, ClinGen allele CA377034001.

ClinVar aggregate classification (germline): Uncertain significance. Review status: criteria provided, multiple submitters, no conflicts (2 of 4 stars). 2 submissions from 2 submitters: Uncertain significance (2). Last evaluated 2024-07-15.

Conditions:
Inborn genetic diseases. Identifiers: MedGen C0950123, MeSH D030342.
Charcot-Marie-Tooth disease, type I (CMT1). Also called: Charcot-Marie-Tooth, Type 1; Charcot-Marie-Tooth disease type 1. Identifiers: Orphanet 65753, MedGen C0751036, MONDO:0019011.

Allele frequency attached by ClinVar (database versions not stated): gnomAD exomes below 0.00001 and 0.00001.

Submissions (2):

Ambry Genetics
Classification: Uncertain significance for Inborn genetic diseases. Last evaluated: 2024-07-15. Review status: criteria provided, single submitter. Criteria: Ambry Variant Classification Scheme 2023. Collection method: clinical testing. Allele origin: germline.

Labcorp Genetics (formerly Invitae), Labcorp
Classification: Uncertain significance for Charcot-Marie-Tooth disease, type I. Last evaluated: 2018-07-01. Review status: criteria provided, single submitter. Criteria: Invitae Variant Classification Sherloc (09022015). Collection method: clinical testing. Allele origin: germline.
Comment: This variant has not been reported in the literature in individuals with EGR2-related disease. This variant is not present in population databases (ExAC no frequency). This sequence change replaces alanine with serine at codon 55 of the EGR2 protein (p.Ala55Ser). The alanine residue is moderately conserved and there is a moderate physicochemical difference between alanine and serine. Algorithms developed to predict the effect of missense changes on protein structure and function are either unavailable or do not agree on the potential impact of this missense change (SIFT: "Tolerated"; PolyPhen-2: "Benign"; Align-GVGD: "Class C0"). In summary, the available evidence is currently insufficient to determine the role of this variant in disease. Therefore, it has been classified as a Variant of Uncertain Significance.